The following is an entry in ClinVar:

NM_000875.5(IGF1R):c.2824G>A (p.Val942Ile)

Gene: IGF1R (insulin like growth factor 1 receptor; plus strand). Cytogenetic location: 15q26.3.
Variant type: single nucleotide variant.
Coding change: c.2824G>A on transcript NM_000875.5 (MANE Select); coding-DNA position 2824, G replaced by A.
Protein change: p.Val942Ile; replaces valine 942 with isoleucine.
Molecular consequence: missense variant.
Genome position (GRCh38, 1-based): chr15:98,929,599, G>A. VCF-style: chr15-98929599-G-A. GRCh37 (hg19) VCF-style: chr15-99472828-G-A.
Other names: c.2821G>A, p.Val941Ile (NM_001291858.2); short protein forms V941I, V942I.
Identifiers: ClinVar variation 2888101 (VCV002888101.3), dbSNP rs541998637, ClinGen allele CA7752527.

ClinVar aggregate classification (germline): Uncertain significance (1 of 4 stars; one submission).

Allele frequency attached by ClinVar (database versions not stated): TOPMed 0.00005; 1000 Genomes Project 30x 0.00016; 1000 Genomes Project 0.00020; gnomAD 0.00001; ExAC 0.00002; gnomAD exomes 0.00001.
gnomAD v4.1: 16 of 1,614,128 alleles (0.00099%); highest among the groups gnomAD compares: Admixed American, 0.0083%; no homozygotes.

Submission:

Labcorp Genetics (formerly Invitae), Labcorp
Classification: Uncertain significance. Last evaluated: 2025-02-26. Review status: criteria provided, single submitter. Criteria: Invitae Variant Classification Sherloc (09022015). Collection method: clinical testing. Allele origin: germline.
Comment: This sequence change replaces valine, which is neutral and non-polar, with isoleucine, which is neutral and non-polar, at codon 942 of the IGF1R protein (p.Val942Ile). This variant is present in population databases (rs541998637, gnomAD 0.01%). This variant has not been reported in the literature in individuals affected with IGF1R-related conditions. ClinVar contains an entry for this variant (Variation ID: 2888101). Invitae Evidence Modeling of protein sequence and biophysical properties (such as structural, functional, and spatial information, amino acid conservation, physicochemical variation, residue mobility, and thermodynamic stability) indicates that this missense variant is not expected to disrupt IGF1R protein function with a negative predictive value of 80%. In summary, the available evidence is currently insufficient to determine the role of this variant in disease. Therefore, it has been classified as a Variant of Uncertain Significance.